The following is an entry in ClinVar:

NM_015629.4(PRPF31):c.1256G>A (p.Arg419Lys)

Gene: PRPF31 (pre-mRNA processing factor 31; plus strand). Cytogenetic location: 19q13.42.
Variant type: single nucleotide variant.
Coding change: c.1256G>A on transcript NM_015629.4 (MANE Select); coding-DNA position 1256, G replaced by A.
Protein change: p.Arg419Lys; replaces arginine 419 with lysine.
Molecular consequence: missense variant.
Genome position (GRCh38, 1-based): chr19:54,129,166, G>A. VCF-style: chr19-54129166-G-A. GRCh37 (hg19) VCF-style: chr19-54632541-G-A.
Other names: short protein forms R419K.
Identifiers: ClinVar variation 1414194 (VCV001414194.6), dbSNP rs1198570358, ClinGen allele CA407754880.
Genomic context (GRCh38, chr19:54,129,166, plus strand): 5'-TGGGCAAGTCGGGCAGTGGGCGTGTGCGGCAGACACAGGTAAACGAGGCCACCAAGGCCA[G>A]GATCTCCAAGACGCTGCAGGTATGGGCCAGACCCAGGTGGGGCTGGGGACCGAGGGACAC-3'
Protein context (NP_056444.3, residues 409-429): QTQVNEATKA[Arg419Lys]ISKTLQRTLQ

ClinVar aggregate classification (germline): Uncertain significance (1 of 4 stars; one submission).

Allele frequency attached by ClinVar (database versions not stated): gnomAD exomes below 0.00001; gnomAD 0.00001; TOPMed 0.00001.
gnomAD v4.1: 3 of 1,585,196 alleles (0.00019%); highest among the groups gnomAD compares: African/African-American, 0.004%; no homozygotes.

Submission:

Labcorp Genetics (formerly Invitae), Labcorp
Classification: Uncertain significance. Last evaluated: 2025-04-01. Review status: criteria provided, single submitter. Criteria: Invitae Variant Classification Sherloc (09022015). Collection method: clinical testing. Allele origin: germline.
Comment: This sequence change replaces arginine, which is basic and polar, with lysine, which is basic and polar, at codon 419 of the PRPF31 protein (p.Arg419Lys). This variant is not present in population databases (gnomAD no frequency). This variant has not been reported in the literature in individuals affected with PRPF31-related conditions. ClinVar contains an entry for this variant (Variation ID: 1414194). An algorithm developed to predict the effect of missense changes on protein structure and function (PolyPhen-2) suggests that this variant is likely to be tolerated. In summary, the available evidence is currently insufficient to determine the role of this variant in disease. Therefore, it has been classified as a Variant of Uncertain Significance.